The following is an entry in ClinVar:

ClinVar aggregate classification (germline): Pathogenic (1 of 4 stars; one submission).

Submission:

Labcorp Genetics (formerly Invitae), Labcorp
Classification: Pathogenic. Last evaluated: 2023-07-25. Review status: criteria provided, single submitter. Criteria: Invitae Variant Classification Sherloc (09022015). Collection method: clinical testing. Allele origin: germline.
Comment: This variant is not present in population databases (gnomAD no frequency). This sequence change creates a premature translational stop signal (p.Gln103*) in the GTPBP3 gene. It is expected to result in an absent or disrupted protein product. Loss-of-function variants in GTPBP3 are known to be pathogenic (PMID: 25434004). This variant has not been reported in the literature in individuals affected with GTPBP3-related conditions. For these reasons, this variant has been classified as Pathogenic.

Literature cited by the submitters: PubMed 25434004.

NM_032620.4(GTPBP3):c.307C>T (p.Gln103Ter)

Gene: GTPBP3 (GTP binding protein 3, mitochondrial; plus strand). Cytogenetic location: 19p13.11.
Variant type: single nucleotide variant.
Coding change: c.307C>T on transcript NM_032620.4 (MANE Select); coding-DNA position 307, C replaced by T.
Protein change: p.Gln103Ter; replaces glutamine 103 with a stop codon.
Molecular consequence: nonsense.
Genome position (GRCh38, 1-based): chr19:17,338,370, C>T. VCF-style: chr19-17338370-C-T. GRCh37 (hg19) VCF-style: chr19-17449179-C-T.
Other names: c.307C>T, p.Gln103Ter (NM_001128855.3, NM_133644.4); c.373C>T, p.Gln125Ter (NM_001195422.1); short protein forms Q125*, Q103*.
Identifiers: ClinVar variation 2816376 (VCV002816376.3), dbSNP rs1252909450, ClinGen allele CA404732497.